The following is an entry in ClinVar:

NM_004946.3(DOCK2):c.1169T>C (p.Ile390Thr)

Gene: DOCK2 (dedicator of cytokinesis 2; plus strand). Cytogenetic location: 5q35.1.
Variant type: single nucleotide variant.
Coding change: c.1169T>C on transcript NM_004946.3 (MANE Select); coding-DNA position 1169, T replaced by C.
Protein change: p.Ile390Thr; replaces isoleucine 390 with threonine.
Molecular consequence: missense variant. On other transcripts: non-coding transcript variant (1).
Genome position (GRCh38, 1-based): chr5:169,700,050, T>C. VCF-style: chr5-169700050-T-C. GRCh37 (hg19) VCF-style: chr5-169127054-T-C.
Other names: short protein forms I390T.
Identifiers: ClinVar variation 846788 (VCV000846788.7), dbSNP rs1475669354, ClinGen allele CA362105722.

ClinVar aggregate classification (germline): Uncertain significance (1 of 4 stars; one submission).

Conditions:
DOCK2 deficiency. Also called: Immunodeficiency 40. Identifiers: Orphanet 447737, MedGen C4225328, MONDO:0014637, OMIM 616433.

Allele frequency attached by ClinVar (database versions not stated): gnomAD exomes below 0.00001.
gnomAD v4.1: 5 of 1,613,962 alleles (0.00031%); highest among the groups gnomAD compares: Non-Finnish European, 0.00042%; no homozygotes.

Submission:

Labcorp Genetics (formerly Invitae), Labcorp
Classification: Uncertain significance for DOCK2 deficiency. Last evaluated: 2021-09-01. Review status: criteria provided, single submitter. Criteria: Invitae Variant Classification Sherloc (09022015). Collection method: clinical testing. Allele origin: germline.
Comment: This sequence change replaces isoleucine with threonine at codon 390 of the DOCK2 protein (p.Ile390Thr). The isoleucine residue is moderately conserved and there is a moderate physicochemical difference between isoleucine and threonine. This variant is not present in population databases (ExAC no frequency). This variant has not been reported in the literature in individuals affected with DOCK2-related conditions. Algorithms developed to predict the effect of missense changes on protein structure and function output the following: SIFT: "Deleterious"; PolyPhen-2: "Benign"; Align-GVGD: "Class C0". The threonine amino acid residue is found in multiple mammalian species, which suggests that this missense change does not adversely affect protein function. In summary, the available evidence is currently insufficient to determine the role of this variant in disease. Therefore, it has been classified as a Variant of Uncertain Significance.